The following is an entry in ClinVar:

ClinVar aggregate classification (germline): Uncertain significance (1 of 4 stars; one submission).

Submission:

Labcorp Genetics (formerly Invitae), Labcorp
Classification: Uncertain significance. Last evaluated: 2023-12-07. Review status: criteria provided, single submitter. Criteria: Invitae Variant Classification Sherloc (09022015). Collection method: clinical testing. Allele origin: germline.
Comment: This sequence change replaces isoleucine, which is neutral and non-polar, with valine, which is neutral and non-polar, at codon 1464 of the COL4A2 protein (p.Ile1464Val). This variant is not present in population databases (gnomAD no frequency). This variant has not been reported in the literature in individuals affected with COL4A2-related conditions. ClinVar contains an entry for this variant (Variation ID: 2010591). Advanced modeling of protein sequence and biophysical properties (such as structural, functional, and spatial information, amino acid conservation, physicochemical variation, residue mobility, and thermodynamic stability) performed at Invitae indicates that this missense variant is not expected to disrupt COL4A2 protein function with a negative predictive value of 95%. In summary, the available evidence is currently insufficient to determine the role of this variant in disease. Therefore, it has been classified as a Variant of Uncertain Significance.

NM_001846.4(COL4A2):c.4390A>G (p.Ile1464Val)

Genes: COL4A2-AS1 (COL4A2 antisense RNA 1; minus strand), COL4A2 (collagen type IV alpha 2 chain; plus strand). Cytogenetic location: 13q34.
Variant type: single nucleotide variant.
Coding change: c.4390A>G on transcript NM_001846.4 (MANE Select); coding-DNA position 4390, A replaced by G.
Protein change: p.Ile1464Val; replaces isoleucine 1464 with valine.
Molecular consequence: missense variant.
Genome position (GRCh38, 1-based): chr13:110,504,252, A>G. VCF-style: chr13-110504252-A-G. GRCh37 (hg19) VCF-style: chr13-111156599-A-G.
Other names: short protein forms I1464V.
Identifiers: ClinVar variation 2010591 (VCV002010591.4), dbSNP rs2502207977, ClinGen allele CA388738589.